The following is an entry in ClinVar:

NM_001129820.2(SLFN14):c.2153del (p.Pro718fs)

Gene: SLFN14 (schlafen family member 14; minus strand). Cytogenetic location: 17q12.
Variant type: Deletion.
Coding change: c.2153del on transcript NM_001129820.2 (MANE Select); coding-DNA position 2153, one base deleted (C; older notation c.2153delC).
Protein change: p.Pro718fs; shifts the reading frame from proline 718.
Molecular consequence: frameshift variant.
Genome position (GRCh38, 1-based): chr17:35,548,825, G deleted on the plus strand (C on the coding strand, the reverse complement: SLFN14 is on the minus strand); the first of 5 consecutive G bases (chr17:35,548,825-35,548,829); deleting any one gives the same sequence. VCF-style (leftmost placement, unchanged base first): chr17-35548824-AG-A. GRCh37 (hg19) VCF-style: chr17-33875843-AG-A.
Other names: short protein forms P718fs.
Identifiers: ClinVar variation 1033310 (VCV001033310.1), dbSNP rs771699684, ClinGen allele CA8504564.
Genomic context (GRCh38, chr17:35,548,824, plus strand): 5'-TATTTCCAGAGCACAGTGGATCCCACTGGTGATTGTTTTTCGAGGAAACTGAGCAGATGG[AG>A]GGGGAAGGCCATTGACATCTGCGTGATGGATTTGAAAAGGGTCAAGAAAAAGCCAGAGAA-3'

ClinVar aggregate classification (germline): Uncertain significance (1 of 4 stars; one submission).

Conditions:
Platelet-type bleeding disorder 20 (BDPLT20). Identifiers: Orphanet 466806, MedGen C4310797, MONDO:0014830, OMIM 616913.

Submission:

Baylor Genetics
Classification: Uncertain significance for Platelet-type bleeding disorder 20. Last evaluated: 2018-08-10. Review status: criteria provided, single submitter. Criteria: ACMG Guidelines, 2015. Collection method: clinical testing. Allele origin: maternal. Affected: yes.
Comment: This variant was determined to be of uncertain significance according to ACMG Guidelines, 2015 [PMID:25741868].